The following is an entry in ClinVar:

ClinVar aggregate classification (germline): Uncertain significance (1 of 4 stars; one submission).

Conditions:
Cutis laxa, X-linked (OHS). Also called: EDS IX; Occipital horn syndrome. Identifiers: Orphanet 198, MedGen C0268353, MONDO:0010572, OMIM 304150.
X-linked distal spinal muscular atrophy type 3. Also called: ATP7A-Related Distal Motor Neuropathy; SPINAL MUSCULAR ATROPHY, DISTAL, X-LINKED RECESSIVE; NEUROPATHY, DISTAL HEREDITARY MOTOR, X-LINKED; NEURONOPATHY, DISTAL HEREDITARY MOTOR, X-LINKED. Identifiers: Orphanet 139557, MedGen C1845359, MONDO:0010338, OMIM 300489.
Menkes kinky-hair syndrome (MNK). Also called: Classic Menkes Disease; Copper transport disease; Menkes Disease. Identifiers: Orphanet 565, MedGen C0022716, MONDO:0010651, OMIM 309400.

Submission:

Labcorp Genetics (formerly Invitae), Labcorp
Classification: Uncertain significance for X-linked distal spinal muscular atrophy type 3; Cutis laxa, X-linked; Menkes kinky-hair syndrome. Last evaluated: 2024-03-03. Review status: criteria provided, single submitter. Criteria: Invitae Variant Classification Sherloc (09022015). Collection method: clinical testing. Allele origin: germline.
Comment: This sequence change replaces aspartic acid, which is acidic and polar, with tyrosine, which is neutral and polar, at codon 1483 of the ATP7A protein (p.Asp1483Tyr). This variant is not present in population databases (gnomAD no frequency). This variant has not been reported in the literature in individuals affected with ATP7A-related conditions. ClinVar contains an entry for this variant (Variation ID: 1386576). Advanced modeling of protein sequence and biophysical properties (such as structural, functional, and spatial information, amino acid conservation, physicochemical variation, residue mobility, and thermodynamic stability) performed at Invitae indicates that this missense variant is not expected to disrupt ATP7A protein function with a negative predictive value of 95%. In summary, the available evidence is currently insufficient to determine the role of this variant in disease. Therefore, it has been classified as a Variant of Uncertain Significance.

NM_000052.7(ATP7A):c.4447G>T (p.Asp1483Tyr)

Gene: ATP7A (ATPase copper transporting alpha; plus strand). Cytogenetic location: Xq21.1.
Variant type: single nucleotide variant.
Coding change: c.4447G>T on transcript NM_000052.7 (MANE Select); coding-DNA position 4447, G replaced by T.
Protein change: p.Asp1483Tyr; replaces aspartic acid 1483 with tyrosine.
Molecular consequence: missense variant. On other transcripts: non-coding transcript variant (1).
Genome position (GRCh38, 1-based): chrX:78,046,514, G>T. VCF-style: chrX-78046514-G-T. GRCh37 (hg19) VCF-style: chrX-77302011-G-T.
Other names: c.4213G>T, p.Asp1405Tyr (NM_001282224.2); short protein forms D1483Y, D1405Y.
Identifiers: ClinVar variation 1386576 (VCV001386576.6), dbSNP rs2149114118, ClinGen allele CA413606441.